The following is an entry in ClinVar:

ClinVar aggregate classification (germline): Uncertain significance. Review status: criteria provided, multiple submitters, no conflicts (2 of 4 stars). 7 submissions from 7 submitters: Uncertain significance (7). Last evaluated 2026-07-01.

Conditions:
Inborn genetic diseases. Identifiers: MedGen C0950123, MeSH D030342.
Alagille syndrome, ATP8B1 related.
Progressive familial intrahepatic cholestasis type 1. Also called: BYLER DISEASE; Severe ATP8B1 Deficiency (Progressive Familial Intrahepatic Cholestasis Type 1 [PFIC1]); Byler's disease. Identifiers: Orphanet 79306, MedGen C4551898, MONDO:0008892, OMIM 211600.

Allele frequency attached by ClinVar (database versions not stated): gnomAD 0.00004 and 0.00005; TOPMed 0.00004; gnomAD exomes 0.00007 and 0.00011; ExAC 0.00015; ESP Exome Variant Server 0.00023.
gnomAD v4.1: 114 of 1,614,064 alleles (0.0071%); highest among the groups gnomAD compares: Middle Eastern, 0.12%; 1 homozygote.

Submissions (7):

CeGaT Center for Human Genetics Tuebingen
Classification: Uncertain significance. Last evaluated: 2026-07-01. Review status: criteria provided, single submitter. Criteria: CeGaT Center For Human Genetics Tuebingen Variant Classification Criteria Version 2. Collection method: clinical testing. Allele origin: germline. Affected: yes. Observed: 1 variant allele.
Comment: ATP8B1: PM2, PP2, BP4

Department of Pathology and Laboratory Medicine, Sinai Health System
Classification: Uncertain significance for progressive familial intrahepatic cholestasis type 1. Last evaluated: 2022-07-29. Review status: criteria provided, single submitter. Criteria: ACMG Guidelines, 2015. Collection method: research. Allele origin: germline.

Ambry Genetics
Classification: Uncertain significance for Inborn genetic diseases. Last evaluated: 2022-04-12. Review status: criteria provided, single submitter. Criteria: Ambry Variant Classification Scheme 2023. Collection method: clinical testing. Allele origin: germline.

Genomic Research Center, Shahid Beheshti University of Medical Sciences
Classification: Uncertain significance for Alagille syndrome, ATP8B1 related. Last evaluated: 2019-04-27. Review status: criteria provided, single submitter. Criteria: ACMG Guidelines, 2015. Collection method: clinical testing. Allele origin: unknown. Affected: no.

Illumina Laboratory Services, Illumina
Classification: Uncertain significance for Progressive familial intrahepatic cholestasis type 1. Last evaluated: 2018-01-13. Review status: criteria provided, single submitter. Criteria: ICSL Variant Classification Criteria 13 December 2019. Collection method: clinical testing. Allele origin: germline.

Eurofins Ntd Llc (ga)
Classification: Uncertain significance. Last evaluated: 2017-02-22. Review status: criteria provided, single submitter. Criteria: EGL Classification Definitions 2015. Collection method: clinical testing. Allele origin: germline. Observed: 2 variant alleles, 2 heterozygotes.

Breakthrough Genomics
Classification: Uncertain significance. Review status: criteria provided, single submitter. Criteria: ACMG Guidelines, 2015. Collection method: not provided. Allele origin: germline. Inheritance: Autosomal recessive inheritance. Affected: yes.

NM_001374385.1(ATP8B1):c.530C>T (p.Thr177Met)

Gene: ATP8B1 (ATPase phospholipid transporting 8B1; minus strand). Cytogenetic location: 18q21.31.
Variant type: single nucleotide variant.
Coding change: c.530C>T on transcript NM_001374385.1 (MANE Select); coding-DNA position 530, C replaced by T.
Protein change: p.Thr177Met; replaces threonine 177 with methionine.
Molecular consequence: missense variant.
Genome position (GRCh38, 1-based): chr18:57,701,063, G>A on the plus strand (C>T on the coding strand, the complement: ATP8B1 is on the minus strand). VCF-style: chr18-57701063-G-A. GRCh37 (hg19) VCF-style: chr18-55368295-G-A.
Other names: c.380C>T, p.Thr127Met (NM_001374386.1); c.530C>T, p.Thr177Met (NM_005603.6); short protein forms T177M, T127M.
Identifiers: ClinVar variation 288710 (VCV000288710.17), dbSNP rs369011228, ClinGen allele CA8974818.